The following is an entry in ClinVar:

ClinVar aggregate classification (germline): Uncertain significance (1 of 4 stars; one submission).

Conditions:
Cardiovascular phenotype. Identifiers: MedGen CN230736.

Submission:

Ambry Genetics
Classification: Uncertain significance for Cardiovascular phenotype. Last evaluated: 2025-06-22. Review status: criteria provided, single submitter. Criteria: Ambry Variant Classification Scheme 2023. Collection method: clinical testing. Allele origin: germline.
Comment: The p.K1376E variant (also known as c.4126A>G), located in coding exon 27 of the MYH6 gene, results from an A to G substitution at nucleotide position 4126. The lysine at codon 1376 is replaced by glutamic acid, an amino acid with similar properties. This amino acid position is conserved. In addition, this alteration is predicted to be deleterious by in silico analysis. Based on the available evidence, the clinical significance of this variant remains unclear.

NM_002471.4(MYH6):c.4126A>G (p.Lys1376Glu)

Gene: MYH6 (myosin heavy chain 6; minus strand). Cytogenetic location: 14q11.2.
Variant type: single nucleotide variant.
Coding change: c.4126A>G on transcript NM_002471.4 (MANE Select); coding-DNA position 4126, A replaced by G.
Protein change: p.Lys1376Glu; replaces lysine 1376 with glutamic acid.
Molecular consequence: missense variant.
Genome position (GRCh38, 1-based): chr14:23,388,908, T>C on the plus strand (A>G on the coding strand, the complement: MYH6 is on the minus strand). VCF-style: chr14-23388908-T-C. GRCh37 (hg19) VCF-style: chr14-23858117-T-C.
Other names: short protein forms K1376E.
Identifiers: ClinVar variation 4114830 (VCV004114830.1).